The following is an entry in ClinVar:

ClinVar aggregate classification (germline): Uncertain significance (1 of 4 stars; one submission).

Submission:

Labcorp Genetics (formerly Invitae), Labcorp
Classification: Uncertain significance. Last evaluated: 2024-04-27. Review status: criteria provided, single submitter. Criteria: Invitae Variant Classification Sherloc (09022015). Collection method: clinical testing. Allele origin: germline.
Comment: This sequence change falls in intron 10 of the FBXO11 gene. It does not directly change the encoded amino acid sequence of the FBXO11 protein. It affects a nucleotide within the consensus splice site. This variant is not present in population databases (gnomAD no frequency). This variant has not been reported in the literature in individuals affected with FBXO11-related conditions. Variants that disrupt the consensus splice site are a relatively common cause of aberrant splicing (PMID: 17576681, 9536098). Algorithms developed to predict the effect of sequence changes on RNA splicing suggest that this variant is not likely to affect RNA splicing. In summary, the available evidence is currently insufficient to determine the role of this variant in disease. Therefore, it has been classified as a Variant of Uncertain Significance.

Literature cited by the submitters: PubMed 17576681; PubMed 9536098.

NM_001190274.2(FBXO11):c.1260+4T>C

Gene: FBXO11 (F-box protein 11; minus strand). Cytogenetic location: 2p16.3.
Variant type: single nucleotide variant.
Coding change: c.1260+4T>C on transcript NM_001190274.2 (MANE Select); 4 bases into the intron after coding-DNA position 1260, T replaced by C.
Molecular consequence: intron variant.
Genome position (GRCh38, 1-based): chr2:47,832,568, A>G on the plus strand (T>C on the coding strand, the complement: FBXO11 is on the minus strand). VCF-style: chr2-47832568-A-G. GRCh37 (hg19) VCF-style: chr2-48059707-A-G.
Other names: c.1008+4T>C (NM_001374325.1, NM_025133.4).
Identifiers: ClinVar variation 3691584 (VCV003691584.2).